The following is an entry in ClinVar:

NM_014270.5(SLC7A9):c.511C>T (p.Arg171Trp)

Gene: SLC7A9 (solute carrier family 7 member 9; minus strand). Cytogenetic location: 19q13.11.
Variant type: single nucleotide variant.
Coding change: c.511C>T on transcript NM_014270.5 (MANE Select); coding-DNA position 511, C replaced by T.
Protein change: p.Arg171Trp; replaces arginine 171 with tryptophan.
Molecular consequence: missense variant.
Genome position (GRCh38, 1-based): chr19:32,862,554, G>A on the plus strand (C>T on the coding strand, the complement: SLC7A9 is on the minus strand). VCF-style: chr19-32862554-G-A. GRCh37 (hg19) VCF-style: chr19-33353460-G-A.
Other names: c.511C>T, p.Arg171Trp (NM_001126335.2, NM_001243036.2); short protein forms R171W.
Identifiers: ClinVar variation 653611 (VCV000653611.17), dbSNP rs758242098, ClinGen allele CA9358801.

ClinVar aggregate classification (germline): Conflicting classifications of pathogenicity. Review status: criteria provided, conflicting classifications (1 of 4 stars). 7 submissions from 7 submitters: Pathogenic (1); Likely pathogenic (2); Uncertain significance (3). 1 of the submissions does not count toward it. Last evaluated 2025-11-28.

Conditions:
SLC7A9-related disorder. Also called: SLC7A9-related condition.
Cystinuria (CSNU). Also called: Cystinuria, non-type I; CYSTINURIA, TYPE I; CYSTINURIA, TYPE II; CYSTINURIA, TYPE III. Identifiers: Orphanet 214, MedGen C0010691, MONDO:0009067, OMIM 220100, HP:0003131.

Allele frequency attached by ClinVar (database versions not stated): gnomAD 0.00004; TOPMed 0.00004.
gnomAD v4.1: 148 of 1,613,800 alleles (0.0092%); highest among the groups gnomAD compares: Non-Finnish European, 0.012%; no homozygotes.

Submissions (7):

Labcorp Genetics (formerly Invitae), Labcorp
Classification: Pathogenic. Last evaluated: 2025-11-28. Review status: criteria provided, single submitter. Criteria: Invitae Variant Classification Sherloc (09022015). Collection method: clinical testing. Allele origin: germline.
Comment: This sequence change replaces arginine, which is basic and polar, with tryptophan, which is neutral and slightly polar, at codon 171 of the SLC7A9 protein (p.Arg171Trp). This variant is present in population databases (rs758242098, gnomAD 0.03%). This missense change has been observed in individual(s) with cystinuria (PMID: 25109415; internal data). In at least one individual the data is consistent with being in trans (on the opposite chromosome) from a pathogenic variant. It has also been observed to segregate with disease in related individuals. ClinVar contains an entry for this variant (Variation ID: 653611). Invitae Evidence Modeling of protein sequence and biophysical properties (such as structural, functional, and spatial information, amino acid conservation, physicochemical variation, residue mobility, and thermodynamic stability) indicates that this missense variant is not expected to disrupt SLC7A9 protein function with a negative predictive value of 80%. This variant disrupts the p.Arg171 amino acid residue in SLC7A9. Other variant(s) that disrupt this residue have been observed in individuals with SLC7A9-related conditions (PMID: 28646536), which suggests that this may be a clinically significant amino acid residue. For these reasons, this variant has been classified as Pathogenic.

Rare Kidney Stone Consortium and the Mayo Clinic Hyperoxaluria Center, Mayo Clinic
Classification: Likely pathogenic for Cystinuria. Last evaluated: 2025-10-03. Review status: criteria provided, single submitter. Criteria: ACMG Guidelines, 2015. Collection method: research. Allele origin: germline. Affected: yes. Observed: 1 variant allele.
Comment: ACMG:PM1, PM2, PP3, PP5

PreventionGenetics, part of Exact Sciences
Classification: Uncertain significance for SLC7A9-related condition. Last evaluated: 2025-07-10. Review status: criteria provided, single submitter. Criteria: ACMG Guidelines, 2015. Collection method: clinical testing. Allele origin: germline.
Comment: The SLC7A9 c.511C>T variant is predicted to result in the amino acid substitution p.Arg171Trp. This variant has been reported in the compound heterozygous state with a frameshift variant in an individual with cystinuria (Supp. Table 2, Zhao et al. 2022. PubMed ID: 35149915). This variant was also reported in a single individual with cystinuria; however, presence of a second variant was not clear (Wong et al. 2015. PubMed ID: 25109415). This variant is reported in 0.033% of alleles in individuals of East Asian descent in gnomAD. An alternate amino acid change at this position (c.511C>G, p.Arg171Gly) was also reported with a second SLC7A9 variant in a patient with cystinuria (Tostivint et al. 2017. PubMed ID: 28646536). Although we suspect that this variant may be pathogenic for autosomal recessive SLC7A9-related disorders, at this time, the clinical significance of this variant is uncertain due to the absence of conclusive functional and genetic evidence.

Blueprint Genetics
Classification: Uncertain significance. Last evaluated: 2024-06-20. Review status: criteria provided, single submitter. Criteria: ACMG Guidelines, 2015. Collection method: clinical testing. Allele origin: germline.

Fulgent Genetics
Classification: Likely pathogenic for Cystinuria. Last evaluated: 2024-03-15. Review status: criteria provided, single submitter. Criteria: ACMG Guidelines, 2015. Collection method: clinical testing. Allele origin: germline.

GeneDx
Classification: Uncertain significance. Last evaluated: 2022-08-16. Review status: criteria provided, single submitter. Criteria: GeneDx Variant Classification Process June 2021. Collection method: clinical testing. Allele origin: germline. Affected: yes.
Comment: In silico analysis supports that this missense variant has a deleterious effect on protein structure/function; This variant is associated with the following publications: (PMID: 26589650, 28812535, 30515543, 35149915)

Chinese Inherited Urolithiasis Consortium, The Affiliated Yantai Yuhuangding Hospital of Qingdao University
Classification: Pathogenic for Cystinuria. Last evaluated: 2024-08-26. Review status: no assertion criteria provided. Collection method: clinical testing. Allele origin: de novo, biparental. Affected: yes. Observed: 2 variant alleles. Not counted in ClinVar's aggregate classification.

Literature cited by the submitters: PubMed 25109415 (cited by Labcorp Genetics (formerly Invitae), Labcorp); PubMed 28646536 (cited by Labcorp Genetics (formerly Invitae), Labcorp); PubMed 35149915 (cited by Rare Kidney Stone Consortium and the Mayo Clinic Hyperoxaluria Center, Mayo Clinic); PubMed 40794449 (cited by Rare Kidney Stone Consortium and the Mayo Clinic Hyperoxaluria Center, Mayo Clinic).